The following is an entry in ClinVar:

NM_005629.4(SLC6A8):c.1882G>T (p.Val628Phe)

Gene: SLC6A8 (solute carrier family 6 member 8; plus strand). Cytogenetic location: Xq28.
Variant type: single nucleotide variant.
Coding change: c.1882G>T on transcript NM_005629.4 (MANE Select); coding-DNA position 1882, G replaced by T.
Protein change: p.Val628Phe; replaces valine 628 with phenylalanine.
Molecular consequence: missense variant.
Genome position (GRCh38, 1-based): chrX:153,695,188, G>T. VCF-style: chrX-153695188-G-T. GRCh37 (hg19) VCF-style: chrX-152960643-G-T.
Other names: c.1852G>T, p.Val618Phe (NM_001142805.2); c.1537G>T, p.Val513Phe (NM_001142806.1); short protein forms V513F, V618F, V628F.
Identifiers: ClinVar variation 3573836 (VCV003573836.1).
Genomic context (GRCh38, chrX:153,695,188, plus strand): 5'-GCTCAGGACGCAGATGTCAGGGGCCTGACCACCCTGACCCCAGTGTCCGAGAGCAGCAAG[G>T]TCGTCGTGGTGGAGAGTGTCATGTGACAACTCAGCTCACATCACCAGCTCACCTCTGGTA-3'
Protein context (NP_005620.1, residues 618-635): TLTPVSESSK[Val628Phe]VVVESVM

ClinVar aggregate classification (germline): Uncertain significance (1 of 4 stars; one submission).

Submission:

GeneDx
Classification: Uncertain significance. Last evaluated: 2024-07-16. Review status: criteria provided, single submitter. Criteria: GeneDx Variant Classification Process June 2021. Collection method: clinical testing. Allele origin: germline. Affected: yes.
Comment: Not observed at significant frequency in large population cohorts (gnomAD); In silico analysis indicates that this missense variant does not alter protein structure/function; Has not been previously published as pathogenic or benign to our knowledge